The following is an entry in ClinVar:

NM_001378454.1(ALMS1):c.10583T>C (p.Leu3528Pro)

Gene: ALMS1 (ALMS1 centrosome and basal body associated protein; plus strand). Cytogenetic location: 2p13.1.
Variant type: single nucleotide variant.
Coding change: c.10583T>C on transcript NM_001378454.1 (MANE Select); coding-DNA position 10583, T replaced by C.
Protein change: p.Leu3528Pro; replaces leucine 3528 with proline.
Molecular consequence: missense variant.
Genome position (GRCh38, 1-based): chr2:73,572,460, T>C. VCF-style: chr2-73572460-T-C. GRCh37 (hg19) VCF-style: chr2-73799587-T-C.
Other names: c.10586T>C, p.Leu3529Pro (NM_015120.4); short protein forms L3528P, L3529P.
Identifiers: ClinVar variation 3644609 (VCV003644609.2).

ClinVar aggregate classification (germline): Uncertain significance (1 of 4 stars; one submission).

Conditions:
Alstrom syndrome (ALMS). Identifiers: Orphanet 64, MedGen C0268425, MONDO:0008763, OMIM 203800.

Submission:

Labcorp Genetics (formerly Invitae), Labcorp
Classification: Uncertain significance for Alstrom syndrome. Last evaluated: 2025-02-24. Review status: criteria provided, single submitter. Criteria: Invitae Variant Classification Sherloc (09022015). Collection method: clinical testing. Allele origin: germline.
Comment: This sequence change replaces leucine, which is neutral and non-polar, with proline, which is neutral and non-polar, at codon 3529 of the ALMS1 protein (p.Leu3529Pro). This variant is not present in population databases (gnomAD no frequency). This variant has not been reported in the literature in individuals affected with ALMS1-related conditions. An algorithm developed to predict the effect of missense changes on protein structure and function outputs the following: PolyPhen-2: "Not Available". The proline amino acid residue is found in multiple mammalian species, which suggests that this missense change does not adversely affect protein function. In summary, the available evidence is currently insufficient to determine the role of this variant in disease. Therefore, it has been classified as a Variant of Uncertain Significance.